The following is an entry in ClinVar:

NM_031844.3(HNRNPU):c.651_660dup (p.Gly221fs)

Gene: HNRNPU (heterogeneous nuclear ribonucleoprotein U; minus strand). Cytogenetic location: 1q44.
Variant type: Duplication.
Coding change: c.651_660dup on transcript NM_031844.3 (MANE Select); coding-DNA positions 651 to 660, 10 bases duplicated (AGGCGGCGGA; older notation c.651_660dupAGGCGGCGGA).
Protein change: p.Gly221fs; shifts the reading frame from glycine 221.
Molecular consequence: frameshift variant. On other transcripts: intron variant (1).
Genome position (GRCh38, 1-based): chr1:244,863,648-244,863,657, TCCGCCGCCT duplicated on the plus strand (AGGCGGCGGA on the coding strand, the reverse complement: HNRNPU is on the minus strand); duplicating any 10 consecutive bases within chr1:244,863,648-244,863,663 gives the same sequence; the c. name uses the placement nearest the transcript's 3' end. VCF-style (leftmost placement, unchanged base first): chr1-244863647-C-CTCCGCCGCCT. GRCh37 (hg19) VCF-style: chr1-245026949-C-CTCCGCCGCCT.
Other names: c.634+17_634+26dup (NM_004501.3); short protein forms G221fs.
Identifiers: ClinVar variation 1174635 (VCV001174635.5), dbSNP rs779453109, ClinGen allele CA2499214653.
Genomic context (GRCh38, chr1:244,863,647, plus strand): 5'-GCCGCGCGCAACGTACAACGCAGCACTCACCCGCCGCCGGAGCCCCGGGGCGACCGCCGC[C>CTCCGCCGCCT]TCCGCCGCCTTCCGCCTTCTTCTTACCTCCCGCCTGCTGCTGGCCCTGCCTCGCCCCGGG-3'

ClinVar aggregate classification (germline): Pathogenic. Review status: criteria provided, single submitter (1 of 4 stars). 3 submissions from 3 submitters: Pathogenic (1). 2 of the submissions do not count toward it. Last evaluated 2022-04-13.

Conditions:
Developmental and epileptic encephalopathy, 54. Also called: HNRNPU-Related Neurodevelopmental Disorder; Epileptic encephalopathy, early infantile, 54. Identifiers: MedGen C4479319, MONDO:0033363, OMIM 617391.

Submissions (3):

HudsonAlpha Institute for Biotechnology
Classification: Pathogenic for Developmental and epileptic encephalopathy, 54. Last evaluated: 2022-04-13. Review status: criteria provided, single submitter. Criteria: ACMG Guidelines, 2015. Collection method: research. Allele origin: de novo. Affected: yes. Observed: 1 variant allele. Study: CSER-HudsonAlpha.
Comment: ACMG codes: PVS1, PS2, PM2

Clinical Genetics DNA and cytogenetics Diagnostics Lab, Erasmus MC, Erasmus Medical Center
Classification: Pathogenic. Review status: no assertion criteria provided. Collection method: clinical testing. Allele origin: germline. Affected: yes. Study: VKGL Data-share Consensus. Not counted in ClinVar's aggregate classification.

Diagnostic Laboratory, Department of Genetics, University Medical Center Groningen
Classification: Pathogenic. Review status: no assertion criteria provided. Collection method: clinical testing. Allele origin: germline. Affected: yes. Study: VKGL Data-share Consensus. Not counted in ClinVar's aggregate classification.